The following is an entry in ClinVar:

ClinVar aggregate classification (germline): Uncertain significance. Review status: criteria provided, multiple submitters, no conflicts (2 of 4 stars). 2 submissions from 2 submitters: Uncertain significance (2). Last evaluated 2025-06-20.

Conditions:
Neurodevelopmental disorder with nonspecific brain abnormalities and with or without seizures. Identifiers: MedGen C5231470, MONDO:0032877, OMIM 618709.

gnomAD v4.1: 2 of 1,612,906 alleles (0.00012%); highest among the groups gnomAD compares: African/African-American, 0.0013%; no homozygotes.

Submissions (2):

Revvity Omics, Revvity
Classification: Uncertain significance for Neurodevelopmental disorder with nonspecific brain abnormalities and with or without seizures. Last evaluated: 2025-06-20. Review status: criteria provided, single submitter. Criteria: ACMG Guidelines, 2015. Collection method: clinical testing. Allele origin: germline.

Labcorp Genetics (formerly Invitae), Labcorp
Classification: Uncertain significance. Last evaluated: 2024-11-13. Review status: criteria provided, single submitter. Criteria: Invitae Variant Classification Sherloc (09022015). Collection method: clinical testing. Allele origin: germline.
Comment: This sequence change replaces valine, which is neutral and non-polar, with methionine, which is neutral and non-polar, at codon 565 of the DLL1 protein (p.Val565Met). This variant is not present in population databases (gnomAD no frequency). This variant has not been reported in the literature in individuals affected with DLL1-related conditions. An algorithm developed to predict the effect of missense changes on protein structure and function outputs the following: PolyPhen-2: "Benign". The methionine amino acid residue is found in multiple mammalian species, which suggests that this missense change does not adversely affect protein function. In summary, the available evidence is currently insufficient to determine the role of this variant in disease. Therefore, it has been classified as a Variant of Uncertain Significance.

NM_005618.4(DLL1):c.1693G>A (p.Val565Met)

Gene: DLL1 (delta like canonical Notch ligand 1; minus strand). Cytogenetic location: 6q27.
Variant type: single nucleotide variant.
Coding change: c.1693G>A on transcript NM_005618.4 (MANE Select); coding-DNA position 1693, G replaced by A.
Protein change: p.Val565Met; replaces valine 565 with methionine.
Molecular consequence: missense variant.
Genome position (GRCh38, 1-based): chr6:170,283,586, C>T on the plus strand (G>A on the coding strand, the complement: DLL1 is on the minus strand). VCF-style: chr6-170283586-C-T. GRCh37 (hg19) VCF-style: chr6-170592674-C-T.
Other names: short protein forms V565M.
Identifiers: ClinVar variation 3698851 (VCV003698851.3).